The following is an entry in ClinVar:

ClinVar aggregate classification (germline): Pathogenic. Review status: criteria provided, multiple submitters, no conflicts (2 of 4 stars). 3 submissions from 3 submitters: Pathogenic (2). 1 of the submissions does not count toward it. Last evaluated 2024-05-21.

Conditions:
Retinitis pigmentosa 40 (RP40). Identifiers: Orphanet 791, MedGen C3151107, MONDO:0013429, OMIM 613801.
Congenital stationary night blindness autosomal dominant 2. Also called: NIGHT BLINDNESS, CONGENITAL STATIONARY, RAMBUSCH TYPE. Identifiers: OMIM 163500, Orphanet 215, MedGen C1876182, MONDO:0008099.
PDE6B-related disorder. Also called: PDE6B-related disease; PDE6B-related condition; PDE6B-related disorders.

Allele frequency attached by ClinVar (database versions not stated): gnomAD 0.00007 and 0.00010; gnomAD exomes 0.00007.

Submissions (3):

Blueprint Genetics
Classification: Pathogenic for PDE6B-related disorders. Last evaluated: 2024-05-21. Review status: criteria provided, single submitter. Criteria: ACMG Guidelines, 2015. Collection method: clinical testing. Allele origin: germline. Affected: yes. Observed: 5 variant alleles.

Mendelics
Classification: Pathogenic for Congenital stationary night blindness autosomal dominant 2. Last evaluated: 2022-05-04. Review status: criteria provided, single submitter. Criteria: Mendelics Assertion Criteria 2019. Collection method: clinical testing. Allele origin: germline.

Broad Center for Mendelian Genomics, Broad Institute of MIT and Harvard
Classification: Likely pathogenic for Retinitis pigmentosa 40. Last evaluated: 2020-11-16. Review status: no assertion criteria provided. Collection method: curation. Allele origin: germline. Inheritance: Autosomal recessive inheritance. Not counted in ClinVar's aggregate classification.
Comment: The variant has not been previously reported in individuals with retinitis pigmentosa but has been identified in 0.0007841% (1/127532) of European non-Finnish chromosomes by the Genome Aggregation Database (gnomAD; dbSNP ID: rs1296042817). Although this variant has been seen in the general population, its frequency is low enough to be consistent with a recessive carrier frequency. This variant is predicted to cause a frameshift, which alters the proteinâ€™s amino acid sequence beginning at position 643 and leads to a premature termination codon 7 amino acids downstream. This alteration is then predicted to lead to a truncated or absent protein. Loss of function of the PDE6B gene is an established disease mechanism in autosomal recessive retinitis pigmentosa 40. In summary, although additional studies are required to fully establish its clinical significance, this variant is likely pathogenic. ACMG/AMP Criteria applied: PVS1, PM2 (Richards 2015).

NM_000283.4(PDE6B):c.1927_1948del (p.Asn643fs)

Gene: PDE6B (phosphodiesterase 6B; plus strand). Cytogenetic location: 4p16.3.
Variant type: Deletion.
Coding change: c.1927_1948del on transcript NM_000283.4 (MANE Select); coding-DNA positions 1927 to 1948, 22 bases deleted (AACATCTACCAGAACCTGAACC).
Protein change: p.Asn643fs; shifts the reading frame from asparagine 643.
Molecular consequence: frameshift variant.
Genome position (GRCh38, 1-based): chr4:663,776-663,797, AACATCTACCAGAACCTGAACC deleted. VCF-style (leftmost placement, unchanged base first): chr4-663775-GAACATCTACCAGAACCTGAACC-G. GRCh37 (hg19) VCF-style: chr4-657564-GAACATCTACCAGAACCTGAACC-G.
Other names: c.1927_1948del, p.Asn643fs (NM_001145291.2); c.1090_1111del, p.Asn364fs (NM_001145292.2, NM_001350154.3, NM_001379246.1 and 1 more transcripts); c.772_793del, p.Asn258fs (NM_001350155.3); short protein forms N258fs, N364fs, N643fs.
Identifiers: ClinVar variation 986375 (VCV000986375.5), dbSNP rs1325957874, ClinGen allele CA437900679.